The following is an entry in ClinVar:

ClinVar aggregate classification (germline): Benign. Review status: criteria provided, multiple submitters, no conflicts (2 of 4 stars). 4 submissions from 3 submitters: Benign (4). Last evaluated 2018-06-23.

Conditions:
Osteogenesis imperfecta (OI). Identifiers: Orphanet 666, MedGen C0029434, MeSH D010013, MONDO:0019019.
Ehlers-Danlos syndrome, arthrochalasia type, 2. Also called: EHLERS-DANLOS SYNDROME, TYPE VIIB, AUTOSOMAL DOMINANT. Identifiers: MedGen CN293783, MONDO:0040501, OMIM 617821.

Allele frequency attached by ClinVar (database versions not stated): gnomAD 0.20320 and 0.21112; TOPMed 0.21178; 1000 Genomes Project 30x 0.21939; 1000 Genomes Project 0.22145; gnomAD exomes 0.26145.
gnomAD v4.1: 150,857 of 606,078 alleles (25%); highest among the groups gnomAD compares: South Asian, 37%; 20,844 homozygotes.

Submissions (4):

GeneDx
Classification: Benign. Last evaluated: 2018-06-23. Review status: criteria provided, single submitter. Criteria: GeneDx Variant Classification Process June 2021. Collection method: clinical testing. Allele origin: germline. Affected: yes.

Illumina Laboratory Services, Illumina
Classification: Benign for Osteogenesis imperfecta. Last evaluated: 2018-01-13. Review status: criteria provided, single submitter. Criteria: ICSL Variant Classification Criteria 13 December 2019. Collection method: clinical testing. Allele origin: germline.
Comment: This variant was observed in the ICSL laboratory as part of a predisposition screen in an ostensibly healthy population. It had not been previously curated by ICSL or reported in the Human Gene Mutation Database (HGMD: prior to June 1st, 2018), and was therefore a candidate for classification through an automated scoring system. Utilizing variant allele frequency, disease prevalence and penetrance estimates, and inheritance mode, an automated score was calculated to assess if this variant is too frequent to cause the disease. Based on the score and internal cut-off values, a variant classified as benign is not then subjected to further curation. The score for this variant resulted in a classification of benign for this disease.

Illumina Laboratory Services, Illumina
Classification: Benign for Ehlers-Danlos syndrome, arthrochalasia type, 2. Last evaluated: 2018-01-13. Review status: criteria provided, single submitter. Criteria: ICSL Variant Classification Criteria 13 December 2019. Collection method: clinical testing. Allele origin: germline.
Comment: the same text as in the submission from Illumina Laboratory Services, Illumina above.

Breakthrough Genomics
Classification: Benign. Review status: criteria provided, single submitter. Criteria: ACMG Guidelines, 2015. Collection method: not provided. Allele origin: germline. Inheritance: Autosomal recessive inheritance. Affected: yes.

NM_000089.4(COL1A2):c.*194C>T

Gene: COL1A2 (collagen type I alpha 2 chain; plus strand). Cytogenetic location: 7q21.3.
Variant type: single nucleotide variant.
Coding change: c.*194C>T on transcript NM_000089.4 (MANE Select); 194 bases downstream of the stop codon, C replaced by T.
Molecular consequence: 3 prime UTR variant.
Genome position (GRCh38, 1-based): chr7:94,430,587, C>T. VCF-style: chr7-94430587-C-T. GRCh37 (hg19) VCF-style: chr7-94059899-C-T.
Identifiers: ClinVar variation 360976 (VCV000360976.8), dbSNP rs1060399, ClinGen allele CA10629678.